The following is an entry in ClinVar:

NM_000152.5(GAA):c.365T>A (p.Met122Lys)

Gene: GAA (alpha glucosidase; plus strand). Cytogenetic location: 17q25.3.
Variant type: single nucleotide variant.
Coding change: c.365T>A on transcript NM_000152.5 (MANE Select); coding-DNA position 365, T replaced by A.
Protein change: p.Met122Lys; replaces methionine 122 with lysine.
Molecular consequence: missense variant.
Genome position (GRCh38, 1-based): chr17:80,104,951, T>A. VCF-style: chr17-80104951-T-A. GRCh37 (hg19) VCF-style: chr17-78078750-T-A.
Other names: c.365T>A, p.Met122Lys (NM_001079804.3, NM_001406741.1, NM_001406742.1 and 1 more transcripts); short protein forms M122K.
Identifiers: ClinVar variation 4876600 (VCV004876600.1).

ClinVar aggregate classification (germline): Uncertain significance (1 of 4 stars; one submission).

Conditions:
Glycogen storage disease, type II (IOPD). Also called: Pompe Disease; CARDIOMEGALIA GLYCOGENICA DIFFUSA; GLYCOGENOSIS, GENERALIZED, CARDIAC FORM; GSD II; POMPE DISEASE, INFANTILE-ONSET; GLYCOGEN STORAGE DISEASE II, INFANTILE-ONSET. Identifiers: Orphanet 365, MedGen C0017921, MONDO:0009290, OMIM 232300.

Submission:

Genomenon, Inc
Classification: Uncertain significance for Glycogen storage disease, type II. Last evaluated: 2026-07-01. Review status: criteria provided, single submitter. Criteria: Genomenon Sequence Variant Interpretation Standards - Updated. Collection method: curation. Allele origin: germline. Affected: no.
Comment: GAA p.Met122Lys (c.365T>A) is a missense variant that changes the amino acid at codon 122 from Methionine to Lysine. This variant has been reported in the published literature (PMID:23465405;33560568;33073027). It is absent or not present at a significant frequency in gnomAD. In silico models predict that this variant is not damaging. In conclusion, we classify GAA p.Met122Lys (c.365T>A) as a variant of uncertain significance.

Literature cited by the submitters: PubMed 23465405; PubMed 33560568; PubMed 33073027.